The following is an entry in ClinVar:

ClinVar aggregate classification (germline): Uncertain significance (1 of 4 stars; one submission).

Conditions:
Acute myeloid leukemia (AML). Also called: Leukemia, acute myeloid, somatic; Leukemia, acute myelogenous, somatic; Acute myeloid leukemia, adult; AML adult; Acute non-lymphocytic leukemia; Acute granulocytic leukemia. Identifiers: Orphanet 519, MedGen C0023467, MeSH D015470, MONDO:0018874, OMIM 601626, HP:0004808. Disease mechanism: Constitutively activated FLT3.

Submission:

Labcorp Genetics (formerly Invitae), Labcorp
Classification: Uncertain significance for Acute myeloid leukemia. Last evaluated: 2019-03-19. Review status: criteria provided, single submitter. Criteria: Invitae Variant Classification Sherloc (09022015). Collection method: clinical testing. Allele origin: germline.
Comment: This sequence change replaces methionine with isoleucine at codon 218 of the CEBPA protein (p.Met218Ile). The methionine residue is moderately conserved and there is a small physicochemical difference between methionine and isoleucine. In summary, this variant is a novel missense change that is not predicted to affect protein function. There is no indication that it causes disease, but the available evidence is currently insufficient to prove that conclusively. Therefore, it has been classified as a Variant of Uncertain Significance. Algorithms developed to predict the effect of missense changes on protein structure and function (SIFT, PolyPhen-2, Align-GVGD) all suggest that this variant is likely to be tolerated, but these predictions have not been confirmed by published functional studies. While this variant is not present in population databases, the frequency information is unreliable, as metrics indicate poor data quality at this position in the ExAC database. This variant has not been reported in the literature in individuals with a CEBPA-related disease.

NM_004364.5(CEBPA):c.654G>T (p.Met218Ile)

Gene: CEBPA (CCAAT enhancer binding protein alpha; minus strand). Cytogenetic location: 19q13.11.
Variant type: single nucleotide variant.
Coding change: c.654G>T on transcript NM_004364.5 (MANE Select); coding-DNA position 654, G replaced by T.
Protein change: p.Met218Ile; replaces methionine 218 with isoleucine.
Molecular consequence: missense variant.
Genome position (GRCh38, 1-based): chr19:33,301,761, C>A on the plus strand (G>T on the coding strand, the complement: CEBPA is on the minus strand). VCF-style: chr19-33301761-C-A. GRCh37 (hg19) VCF-style: chr19-33792667-C-A.
Other names: c.297G>T, p.Met99Ile (NM_001285829.2); c.759G>T, p.Met253Ile (NM_001287424.2); c.612G>T, p.Met204Ile (NM_001287435.2); short protein forms M218I, M204I, M253I, M99I.
Identifiers: ClinVar variation 456698 (VCV000456698.11), dbSNP rs1555742071, ClinGen allele CA405274484.